The following is an entry in ClinVar:

NM_015335.5(MED13L):c.1508C>T (p.Thr503Ile)

Gene: MED13L (mediator complex subunit 13L; minus strand). Cytogenetic location: 12q24.21.
Variant type: single nucleotide variant.
Coding change: c.1508C>T on transcript NM_015335.5 (MANE Select); coding-DNA position 1508, C replaced by T.
Protein change: p.Thr503Ile; replaces threonine 503 with isoleucine.
Molecular consequence: missense variant.
Genome position (GRCh38, 1-based): chr12:116,008,905, G>A on the plus strand (C>T on the coding strand, the complement: MED13L is on the minus strand). VCF-style: chr12-116008905-G-A. GRCh37 (hg19) VCF-style: chr12-116446710-G-A.
Other names: short protein forms T503I.
Identifiers: ClinVar variation 2110803 (VCV002110803.18), dbSNP rs1164114098, ClinGen allele CA386896208.
Genomic context (GRCh38, chr12:116,008,905, plus strand): 5'-CTACTGCTAGACACCTCTAAGGAGGAGTCTATCCCTGCCAACCCTAGTTTCTGTCCTGGT[G>A]TATCTTGCTCCATGCATAATTCTTCGGCCACAGAGGGCCTATGGTGAAATGGTATTAAGG-3'
Protein context (NP_056150.1, residues 493-513): VAEELCMEQD[Thr503Ile]PGQKLGLAGI

ClinVar aggregate classification (germline): Conflicting classifications of pathogenicity. Review status: criteria provided, conflicting classifications (1 of 4 stars). 2 submissions from 2 submitters: Uncertain significance (1); Benign (1). Last evaluated 2024-11-01.

Conditions:
Dextro-looped transposition of the great arteries. Also called: Dextrotransposition of the great arteries. Identifiers: Orphanet 860, MedGen C3531771, MONDO:0019443, OMIM 608808, HP:0031348.

Allele frequency attached by ClinVar (database versions not stated): gnomAD 0.00001.

Submissions (2):

CeGaT Center for Human Genetics Tuebingen
Classification: Uncertain significance. Last evaluated: 2024-11-01. Review status: criteria provided, single submitter. Criteria: CeGaT Center For Human Genetics Tuebingen Variant Classification Criteria Version 2. Collection method: clinical testing. Allele origin: germline. Affected: yes. Observed: 1 variant allele.
Comment: MED13L: PM2, BP4

Labcorp Genetics (formerly Invitae), Labcorp
Classification: Benign for Dextro-looped transposition of the great arteries. Last evaluated: 2023-07-07. Review status: criteria provided, single submitter. Criteria: Invitae Variant Classification Sherloc (09022015). Collection method: clinical testing. Allele origin: germline.